The following is an entry in ClinVar:

ClinVar aggregate classification (germline): Uncertain significance (1 of 4 stars; one submission).

Submission:

GeneDx
Classification: Uncertain significance. Last evaluated: 2020-06-19. Review status: criteria provided, single submitter. Criteria: GeneDx Variant Classification Process June 2021. Collection method: clinical testing. Allele origin: germline. Affected: yes.
Comment: Not observed in large population cohorts (Lek et al., 2016); In silico analysis supports that this missense variant does not alter protein structure/function; Has not been previously published as pathogenic or benign to our knowledge

NM_001098511.3(KIF2A):c.385T>C (p.Ser129Pro)

Gene: KIF2A (kinesin family member 2A; plus strand). Cytogenetic location: 5q12.1.
Variant type: single nucleotide variant.
Coding change: c.385T>C on transcript NM_001098511.3 (MANE Select); coding-DNA position 385, T replaced by C.
Protein change: p.Ser129Pro; replaces serine 129 with proline.
Molecular consequence: missense variant.
Genome position (GRCh38, 1-based): chr5:62,352,638, T>C. VCF-style: chr5-62352638-T-C. GRCh37 (hg19) VCF-style: chr5-61648465-T-C.
Other names: c.385T>C, p.Ser129Pro (NM_004520.5, NM_001243953.2); c.304T>C, p.Ser102Pro (NM_001243952.2); short protein forms S102P, S129P.
Identifiers: ClinVar variation 1203497 (VCV001203497.3), dbSNP rs2111924785, ClinGen allele CA359948897.
Genomic context (GRCh38, chr5:62,352,638, plus strand): 5'-TTACTTACAGTGGTTGGTTCAGCACGTGCACGGCCCAGTCAATTTCCTGAACAGTCTTCC[T>C]CTGCACAACAGAATGGTAGTGTTTCAGATATATCTCCAGTTCAAGCTGCAAAAAAGGAAT-3'
Protein context (NP_001091981.1, residues 119-139): RPSQFPEQSS[Ser129Pro]AQQNGSVSDI